The following is an entry in ClinVar:

NM_002519.3(NPAT):c.936A>G (p.Ile312Met)

Gene: NPAT (nuclear protein, coactivator of histone transcription; minus strand). Cytogenetic location: 11q22.3.
Variant type: single nucleotide variant.
Coding change: c.936A>G on transcript NM_002519.3 (MANE Select); coding-DNA position 936, A replaced by G.
Protein change: p.Ile312Met; replaces isoleucine 312 with methionine.
Molecular consequence: missense variant.
Genome position (GRCh38, 1-based): chr11:108,177,061, T>C on the plus strand (A>G on the coding strand, the complement: NPAT is on the minus strand). VCF-style: chr11-108177061-T-C. GRCh37 (hg19) VCF-style: chr11-108047788-T-C.
Other names: c.936A>G, p.Ile312Met (NM_001321307.1); short protein forms I312M.
Identifiers: ClinVar variation 2869241 (VCV002869241.3), dbSNP rs370853911, ClinGen allele CA6264123.

ClinVar aggregate classification (germline): Uncertain significance (1 of 4 stars; one submission).

Allele frequency attached by ClinVar (database versions not stated): ExAC 0.00001; ESP Exome Variant Server 0.00008.
gnomAD v4.1: 2 of 1,612,880 alleles (0.00012%); no homozygotes.

Submission:

Labcorp Genetics (formerly Invitae), Labcorp
Classification: Uncertain significance. Last evaluated: 2023-03-17. Review status: criteria provided, single submitter. Criteria: Invitae Variant Classification Sherloc (09022015). Collection method: clinical testing. Allele origin: germline.
Comment: This sequence change replaces isoleucine, which is neutral and non-polar, with methionine, which is neutral and non-polar, at codon 312 of the NPAT protein (p.Ile312Met). This variant is present in population databases (rs370853911, gnomAD 0.0009%). This variant has not been reported in the literature in individuals affected with NPAT-related conditions. An algorithm developed to predict the effect of missense changes on protein structure and function (PolyPhen-2) suggests that this variant is likely to be disruptive. In summary, the available evidence is currently insufficient to determine the role of this variant in disease. Therefore, it has been classified as a Variant of Uncertain Significance.